The following is an entry in ClinVar:

NM_006005.3(WFS1):c.2041A>G (p.Thr681Ala)

Gene: WFS1 (wolframin ER transmembrane glycoprotein; plus strand). Cytogenetic location: 4p16.1.
Variant type: single nucleotide variant.
Coding change: c.2041A>G on transcript NM_006005.3 (MANE Select); coding-DNA position 2041, A replaced by G.
Protein change: p.Thr681Ala; replaces threonine 681 with alanine.
Molecular consequence: missense variant.
Genome position (GRCh38, 1-based): chr4:6,301,836, A>G. VCF-style: chr4-6301836-A-G. GRCh37 (hg19) VCF-style: chr4-6303563-A-G.
Other names: c.2041A>G, p.Thr681Ala (NM_001145853.1); short protein forms T681A.
Identifiers: ClinVar variation 809618 (VCV000809618.43), dbSNP rs1353393888, ClinGen allele CA356177586.
Genomic context (GRCh38, chr4:6,301,836, plus strand): 5'-AACTCCACACTGACCTGGCAGCAGTATGGTGCGCTGTGCGGGCCACGCGCCTGGAAGGAG[A>G]CCAACATGGCGCGCACCCAGATCCTCTGCAGCCACCTGGAGGGCCACAGGGTCACGTGGA-3'
Protein context (NP_005996.2, residues 671-691): ALCGPRAWKE[Thr681Ala]NMARTQILCS

ClinVar aggregate classification (germline): Uncertain significance/Uncertain risk allele. Review status: criteria provided, multiple submitters, no conflicts (2 of 4 stars). 2 submissions from 2 submitters: Uncertain significance (1); Uncertain risk allele (1). Last evaluated 2018-04-01.

Conditions:
Wolfram syndrome 1 (WFS1). Identifiers: Orphanet 3463, MedGen C4551693, MONDO:0009101, OMIM 222300.

Allele frequency attached by ClinVar (database versions not stated): gnomAD exomes below 0.00001.
gnomAD v4.1: 1 of 1,612,996 alleles (0.000062%); highest among the groups gnomAD compares: Admixed American, 0.0017%; no homozygotes.

Submissions (2):

CeGaT Center for Human Genetics Tuebingen
Classification: Uncertain significance. Last evaluated: 2018-04-01. Review status: criteria provided, single submitter. Criteria: CeGaT Center For Human Genetics Tuebingen Variant Classification Criteria Version 2. Collection method: clinical testing. Allele origin: germline. Affected: yes. Observed: 1 variant allele.

Clinical Genomics, Uppaluri K&H Personalized Medicine Clinic
Classification: Uncertain risk allele for Wolfram syndrome 1. Review status: criteria provided, single submitter. Criteria: K & H Uppaluri Personalized Medicine Clinic Variant Classification & Assertion Criteria_Updated V.1. Collection method: research. Allele origin: unknown. Inheritance: Autosomal recessive inheritance.
Comment: Potent mutations in WFS1 gene are associated with Wolfram's syndrome, an autosomal recessive condition, which cause diabetes mellitus, diabetes insipidus, deafness and optic atrophy.However no sufficient evidence is found to ascertain the role of this particular variant rs1353393888 in Wolfram's syndrome yet.

Literature cited by the submitters: PubMed 20738327 (cited by Clinical Genomics, Uppaluri K&H Personalized Medicine Clinic); PubMed 33879153 (cited by Clinical Genomics, Uppaluri K&H Personalized Medicine Clinic); PubMed 12955714 (cited by Clinical Genomics, Uppaluri K&H Personalized Medicine Clinic); PubMed 18060660 (cited by Clinical Genomics, Uppaluri K&H Personalized Medicine Clinic); PubMed 20301750 (cited by Clinical Genomics, Uppaluri K&H Personalized Medicine Clinic); PubMed 17603484 (cited by Clinical Genomics, Uppaluri K&H Personalized Medicine Clinic).